The following is an entry in ClinVar:

NM_004522.3(KIF5C):c.1049A>G (p.Lys350Arg)

Gene: KIF5C (kinesin family member 5C; plus strand). Cytogenetic location: 2q23.1.
Variant type: single nucleotide variant.
Coding change: c.1049A>G on transcript NM_004522.3 (MANE Select); coding-DNA position 1049, A replaced by G.
Protein change: p.Lys350Arg; replaces lysine 350 with arginine.
Molecular consequence: missense variant. On other transcripts: non-coding transcript variant (1).
Genome position (GRCh38, 1-based): chr2:148,962,051, A>G. VCF-style: chr2-148962051-A-G. GRCh37 (hg19) VCF-style: chr2-149818565-A-G.
Other names: short protein forms K350R.
Identifiers: ClinVar variation 4881842 (VCV004881842.2).

ClinVar aggregate classification (germline): Uncertain significance (1 of 4 stars; one submission).

Conditions:
Complex cortical dysplasia with other brain malformations 2. Identifiers: MedGen C3809013, MONDO:0014116, OMIM 615282.

Submission:

Dasa
Classification: Uncertain significance for Complex cortical dysplasia with other brain malformations 2. Last evaluated: 2025-08-19. Review status: criteria provided, single submitter. Criteria: DASA Assertion Criteria. Collection method: clinical testing. Allele origin: germline.
Comment: NM_004522.3(KIF5C):c.1049A>G (p.Lys350Arg) is a missense variant that results in the substitution of lysine with arginine. This variant is absent from population databases. Computational prediction algorithms are consistent with a benign effect. The currently available literature and clinical evidence are not sufficient to establish a definitive association between this variant and the reported condition. Therefore, this variant is classified as a variant of uncertain significance.